The following is an entry in ClinVar:

ClinVar aggregate classification (germline): Conflicting classifications of pathogenicity. Review status: criteria provided, conflicting classifications (1 of 4 stars). 2 submissions from 2 submitters: Likely pathogenic (1); Uncertain significance (1). Last evaluated 2020-11-20.

Conditions:
Congenital contractural arachnodactyly (CCA). Also called: BEALS SYNDROME; Beals-Hecht syndrome; Arthrogryposis, distal, type 9. Identifiers: Orphanet 115, MedGen C0220668, MONDO:0007363, OMIM 121050.

Submissions (2):

Labcorp Genetics (formerly Invitae), Labcorp
Classification: Likely pathogenic for Congenital contractural arachnodactyly. Last evaluated: 2020-11-20. Review status: criteria provided, single submitter. Criteria: Invitae Variant Classification Sherloc (09022015). Collection method: clinical testing. Allele origin: germline.
Comment: In summary, the currently available evidence indicates that the variant is pathogenic, but additional data are needed to prove that conclusively. Therefore, this variant has been classified as Likely Pathogenic. This variant affects a cysteine residue located within an epidermal growth factor (EGF)–like domain of the FBN2 protein. Cysteine residues in these domains are involved in the formation of disulfide bridges critical for protein structure and stability (PMID: 3495735, 4750422, 16677079). In addition, missense substitutions within the FBN2 EGF-like domains affecting cysteine residues are overrepresented in patients with congenital contractural arachnodactyly (PMID: 18767143). Algorithms developed to predict the effect of missense changes on protein structure and function are either unavailable or do not agree on the potential impact of this missense change (SIFT: "Deleterious"; PolyPhen-2: "Benign"; Align-GVGD: "Class C65"). This variant has not been reported in the literature in individuals with FBN2-related conditions. This variant is not present in population databases (ExAC no frequency). This sequence change replaces cysteine with tyrosine at codon 1227 of the FBN2 protein (p.Cys1227Tyr). The cysteine residue is highly conserved and there is a large physicochemical difference between cysteine and tyrosine.

GeneDx
Classification: Uncertain significance. Last evaluated: 2019-11-12. Review status: criteria provided, single submitter. Criteria: GeneDx Variant Classification Process June 2021. Collection method: clinical testing. Allele origin: germline. Affected: yes.
Comment: Has not been previously published as pathogenic or benign to our knowledge; Not observed in large population cohorts (Lek et al., 2016); In silico analysis, which includes protein predictors and evolutionary conservation, supports a deleterious effect

Literature cited by the submitters: PubMed 3495735 (cited by Labcorp Genetics (formerly Invitae), Labcorp); PubMed 4750422 (cited by Labcorp Genetics (formerly Invitae), Labcorp); PubMed 16677079 (cited by Labcorp Genetics (formerly Invitae), Labcorp); PubMed 18767143 (cited by Labcorp Genetics (formerly Invitae), Labcorp).

NM_001999.4(FBN2):c.3680G>A (p.Cys1227Tyr)

Gene: FBN2 (fibrillin 2; minus strand). Cytogenetic location: 5q23.3.
Variant type: single nucleotide variant.
Coding change: c.3680G>A on transcript NM_001999.4 (MANE Select); coding-DNA position 3680, G replaced by A.
Protein change: p.Cys1227Tyr; replaces cysteine 1227 with tyrosine.
Molecular consequence: missense variant.
Genome position (GRCh38, 1-based): chr5:128,336,032, C>T on the plus strand (G>A on the coding strand, the complement: FBN2 is on the minus strand). VCF-style: chr5-128336032-C-T. GRCh37 (hg19) VCF-style: chr5-127671724-C-T.
Other names: short protein forms C1227Y.
Identifiers: ClinVar variation 1025668 (VCV001025668.13), dbSNP rs1750830797, ClinGen allele CA360758269.